The following is an entry in ClinVar:

NM_015015.3(KDM4B):c.1878G>C (p.Val626=)

Gene: KDM4B (lysine demethylase 4B; plus strand). Cytogenetic location: 19p13.3.
Variant type: single nucleotide variant.
Coding change: c.1878G>C on transcript NM_015015.3 (MANE Select); coding-DNA position 1878, G replaced by C.
Protein change: p.Val626=; no amino-acid change (valine 626 retained).
Molecular consequence: synonymous variant.
Genome position (GRCh38, 1-based): chr19:5,131,979, G>C. VCF-style: chr19-5131979-G-C. GRCh37 (hg19) VCF-style: chr19-5131990-G-C.
Other names: c.1980G>C, p.Val660= (NM_001411148.1).
Identifiers: ClinVar variation 2649104 (VCV002649104.25), dbSNP rs73529623, ClinGen allele CA9108005.

ClinVar aggregate classification (germline): Likely benign. Review status: criteria provided, multiple submitters, no conflicts (2 of 4 stars). 2 submissions from 2 submitters: Likely benign (2). Last evaluated 2026-03-01.

Allele frequency attached by ClinVar (database versions not stated): ExAC 0.00125; gnomAD 0.00305; ESP Exome Variant Server 0.00354; 1000 Genomes Project 0.00359; TOPMed 0.00367; 1000 Genomes Project 30x 0.00437.
gnomAD v4.1: 875 of 1,610,736 alleles (0.054%); highest among the groups gnomAD compares: African/African-American, 1%; 3 homozygotes.

Submissions (2):

CeGaT Center for Human Genetics Tuebingen
Classification: Likely benign. Last evaluated: 2026-03-01. Review status: criteria provided, single submitter. Criteria: CeGaT Center For Human Genetics Tuebingen Variant Classification Criteria Version 2. Collection method: clinical testing. Allele origin: germline. Affected: yes. Observed: 4 variant alleles.
Comment: KDM4B: BP4, BP7, BS1

Blueprint Genetics
Classification: Likely benign. Last evaluated: 2024-09-23. Review status: criteria provided, single submitter. Criteria: ACMG Guidelines, 2015. Collection method: clinical testing. Allele origin: germline.